The following is an entry in ClinVar:

ClinVar aggregate classification (germline): Uncertain significance. Review status: criteria provided, multiple submitters, no conflicts (2 of 4 stars). 2 submissions from 2 submitters: Uncertain significance (2). Last evaluated 2024-08-29.

Allele frequency attached by ClinVar (database versions not stated): ExAC 0.00001; TOPMed 0.00001; gnomAD exomes 0.00002 and 0.00003; gnomAD 0.00004.
gnomAD v4.1: 34 of 1,610,618 alleles (0.0021%); highest among the groups gnomAD compares: Non-Finnish European, 0.0012%; no homozygotes.

Submissions (2):

Blueprint Genetics
Classification: Uncertain significance. Last evaluated: 2024-08-29. Review status: criteria provided, single submitter. Criteria: ACMG Guidelines, 2015. Collection method: clinical testing. Allele origin: germline.

Labcorp Genetics (formerly Invitae), Labcorp
Classification: Uncertain significance. Last evaluated: 2020-02-11. Review status: criteria provided, single submitter. Criteria: Invitae Variant Classification Sherloc (09022015). Collection method: clinical testing. Allele origin: germline.
Comment: This sequence change falls in intron 21 of the CNGB1 gene. It does not directly change the encoded amino acid sequence of the CNGB1 protein, but it affects a nucleotide within the consensus splice site of the intron. This variant is present in population databases (rs771401261, ExAC 0.02%). This variant has not been reported in the literature in individuals with CNGB1-related conditions. Nucleotide substitutions within the consensus splice site are a relatively common cause of aberrant splicing (PMID: 17576681, 9536098). Algorithms developed to predict the effect of sequence changes on RNA splicing suggest that this variant may disrupt the consensus splice site, but this prediction has not been confirmed by published transcriptional studies. In summary, the available evidence is currently insufficient to determine the role of this variant in disease. Therefore, it has been classified as a Variant of Uncertain Significance.

Literature cited by the submitters: PubMed 17576681 (cited by Labcorp Genetics (formerly Invitae), Labcorp); PubMed 9536098 (cited by Labcorp Genetics (formerly Invitae), Labcorp).

NM_001297.5(CNGB1):c.2166+6T>G

Gene: CNGB1 (cyclic nucleotide gated channel subunit beta 1; minus strand). Cytogenetic location: 16q21.
Variant type: single nucleotide variant.
Coding change: c.2166+6T>G on transcript NM_001297.5 (MANE Select); 6 bases into the intron after coding-DNA position 2166, T replaced by G.
Molecular consequence: intron variant.
Genome position (GRCh38, 1-based): chr16:57,917,262, A>C on the plus strand (T>G on the coding strand, the complement: CNGB1 is on the minus strand). VCF-style: chr16-57917262-A-C. GRCh37 (hg19) VCF-style: chr16-57951166-A-C.
Other names: c.2148+6T>G (NM_001286130.2).
Identifiers: ClinVar variation 1034981 (VCV001034981.8), dbSNP rs771401261, ClinGen allele CA8083160.